The following is an entry in ClinVar:

ClinVar aggregate classification (germline): Uncertain significance (1 of 4 stars; one submission).

Conditions:
Branched-chain keto acid dehydrogenase kinase deficiency (BCKDKD). Also called: BCKDK DEFICIENCY. Identifiers: Orphanet 308410, MedGen C3554078, MONDO:0013970, OMIM 614923.

Allele frequency attached by ClinVar (database versions not stated): gnomAD exomes below 0.00001 and 0.00001; TOPMed below 0.00001.
gnomAD v4.1: 3 of 1,614,144 alleles (0.00019%); highest among the groups gnomAD compares: Non-Finnish European, 0.00025%; no homozygotes.

Submission:

Labcorp Genetics (formerly Invitae), Labcorp
Classification: Uncertain significance for Branched-chain keto acid dehydrogenase kinase deficiency. Last evaluated: 2019-07-19. Review status: criteria provided, single submitter. Criteria: Invitae Variant Classification Sherloc (09022015). Collection method: clinical testing. Allele origin: germline.
Comment: This variant has not been reported in the literature in individuals with BCKDK-related disease. In summary, the available evidence is currently insufficient to determine the role of this variant in disease. Therefore, it has been classified as a Variant of Uncertain Significance. Algorithms developed to predict the effect of missense changes on protein structure and function (SIFT, PolyPhen-2, Align-GVGD) all suggest that this variant is likely to be tolerated, but these predictions have not been confirmed by published functional studies and their clinical significance is uncertain. This variant is not present in population databases (ExAC no frequency). This sequence change replaces glutamic acid with glycine at codon 337 of the BCKDK protein (p.Glu337Gly). The glutamic acid residue is highly conserved and there is a moderate physicochemical difference between glutamic acid and glycine.

NM_005881.4(BCKDK):c.1010A>G (p.Glu337Gly)

Gene: BCKDK (branched chain keto acid dehydrogenase kinase; plus strand). Cytogenetic location: 16p11.2.
Variant type: single nucleotide variant.
Coding change: c.1010A>G on transcript NM_005881.4 (MANE Select); coding-DNA position 1010, A replaced by G.
Protein change: p.Glu337Gly; replaces glutamic acid 337 with glycine.
Molecular consequence: missense variant.
Genome position (GRCh38, 1-based): chr16:31,111,943, A>G. VCF-style: chr16-31111943-A-G. GRCh37 (hg19) VCF-style: chr16-31123264-A-G.
Other names: c.1010A>G, p.Glu337Gly (NM_001122957.4); c.920A>G, p.Glu307Gly (NM_001271926.3); short protein forms E307G, E337G.
Identifiers: ClinVar variation 955963 (VCV000955963.10), dbSNP rs199838222, ClinGen allele CA280572556.
Genomic context (GRCh38, chr16:31,111,943, plus strand): 5'-GTGGAGGAATCGCTCACAAAGATCTGGACCGGGTCATGGACTACCACTTCACTACTGCTG[A>G]GGCCAGCACACAGGACCCCCGGATCAGCCCCCTCTTTGGCCATCTGGACATGCATAGTGG-3'
Protein context (NP_005872.2, residues 327-347): RVMDYHFTTA[Glu337Gly]ASTQDPRISP